The following is an entry in ClinVar:

NM_004304.5(ALK):c.3609C>A (p.Asp1203Glu)

Gene: ALK (ALK receptor tyrosine kinase; minus strand). Cytogenetic location: 2p23.2.
Variant type: single nucleotide variant.
Coding change: c.3609C>A on transcript NM_004304.5 (MANE Select); coding-DNA position 3609, C replaced by A.
Protein change: p.Asp1203Glu; replaces aspartic acid 1203 with glutamic acid.
Molecular consequence: missense variant.
Genome position (GRCh38, 1-based): chr2:29,220,742, G>T on the plus strand (C>A on the coding strand, the complement: ALK is on the minus strand). VCF-style: chr2-29220742-G-T. GRCh37 (hg19) VCF-style: chr2-29443608-G-T.
Other names: c.405C>A, p.Asp135Glu (NM_001353765.2); short protein forms D135E, D1203E.
Identifiers: ClinVar variation 1460906 (VCV001460906.8), dbSNP rs2148166410, ClinGen allele CA346473017.
Genomic context (GRCh38, chr2:29,220,742, plus strand): 5'-CAGCAAAGACTGGTTCTCACTCACCGGGCGAGGGCGGGTCTCTCGGAGGAAGGACTTGAG[G>T]TCTCCCCCCGCCATGAGCTCCAGCAGGATGAACCGGGGCAGGGATTGCAGGCTCACCCCA-3'
Protein context (NP_004295.2, residues 1193-1213): FILLELMAGG[Asp1203Glu]LKSFLRETRP

ClinVar aggregate classification (germline): Uncertain significance (1 of 4 stars; one submission).

Conditions:
Neuroblastoma, susceptibility to, 3. Also called: ALK-Related Neuroblastic Tumor Susceptibility. Identifiers: Orphanet 635, MedGen C2751681, MONDO:0013083, OMIM 613014.

Submission:

Labcorp Genetics (formerly Invitae), Labcorp
Classification: Uncertain significance for Neuroblastoma, susceptibility to, 3. Last evaluated: 2021-04-17. Review status: criteria provided, single submitter. Criteria: Invitae Variant Classification Sherloc (09022015). Collection method: clinical testing. Allele origin: germline.
Comment: This sequence change replaces aspartic acid with glutamic acid at codon 1203 of the ALK protein (p.Asp1203Glu). The aspartic acid residue is highly conserved and there is a small physicochemical difference between aspartic acid and glutamic acid. This variant is not present in population databases (ExAC no frequency). This variant has not been reported in the literature in individuals with ALK-related conditions. In summary, the available evidence is currently insufficient to determine the role of this variant in disease. Therefore, it has been classified as a Variant of Uncertain Significance. Algorithms developed to predict the effect of missense changes on protein structure and function are either unavailable or do not agree on the potential impact of this missense change (SIFT: "Deleterious"; PolyPhen-2: "Possibly Damaging"; Align-GVGD: "Class C0").